The following is an entry in ClinVar:

NM_001211.6(BUB1B):c.3035T>C (p.Leu1012Pro)

Genes: BUB1B (BUB1 mitotic checkpoint serine/threonine kinase B; plus strand), BUB1B-PAK6 (BUB1B-PAK6 readthrough; plus strand). Cytogenetic location: 15q15.1.
Variant type: single nucleotide variant.
Coding change: c.3035T>C on transcript NM_001211.6 (MANE Select); coding-DNA position 3035, T replaced by C.
Protein change: p.Leu1012Pro; replaces leucine 1012 with proline.
Molecular consequence: missense variant. On other transcripts: intron variant (2).
Genome position (GRCh38, 1-based): chr15:40,220,641, T>C. VCF-style: chr15-40220641-T-C. GRCh37 (hg19) VCF-style: chr15-40512842-T-C.
Other names: c.-201+2974T>C (NM_001128628.3); c.-118+2974T>C (NM_001128629.3); short protein forms L1012P.
Identifiers: ClinVar variation 6765 (VCV000006765.53), dbSNP rs28989185, ClinGen allele CA118497.

ClinVar aggregate classification (germline): Uncertain significance. Review status: criteria provided, multiple submitters, no conflicts (2 of 4 stars). 5 submissions from 4 submitters: Uncertain significance (3). 2 of the submissions do not count toward it. Last evaluated 2026-01-26.

Conditions:
Colorectal cancer. Also called: Colorectal cancer, somatic; Malignant Colorectal Neoplasm. Identifiers: MedGen C0346629, MONDO:0005575, OMIM 114500.
Mosaic variegated aneuploidy syndrome 1 (MVA1). Also called: Warburton-Anyane-Yeboa syndrome. Identifiers: Orphanet 1052, MedGen C1850343, MONDO:0009759, OMIM 257300.
Premature chromatid separation trait (PCS). Also called: TOTAL PREMATURE CHROMATID SEPARATION TRAIT. Identifiers: MedGen C1864389, MONDO:0008304, OMIM 176430.

Allele frequency attached by ClinVar (database versions not stated): gnomAD 0.00001; ExAC 0.00002; TOPMed 0.00002; gnomAD exomes 0.00003 and 0.00016.
gnomAD v4.1: 221 of 1,614,122 alleles (0.014%); highest among the groups gnomAD compares: Non-Finnish European, 0.018%; no homozygotes.

Submissions (5):

Labcorp Genetics (formerly Invitae), Labcorp
Classification: Uncertain significance for Mosaic variegated aneuploidy syndrome 1. Last evaluated: 2026-01-26. Review status: criteria provided, single submitter. Criteria: Invitae Variant Classification Sherloc (09022015). Collection method: clinical testing. Allele origin: germline.
Comment: This sequence change replaces leucine, which is neutral and non-polar, with proline, which is neutral and non-polar, at codon 1012 of the BUB1B protein (p.Leu1012Pro). This variant is present in population databases (rs28989185, gnomAD 0.006%). This missense change has been observed in individual(s) with mosaic variegated aneuploidy (PMID: 15475955, 18548531). ClinVar contains an entry for this variant (Variation ID: 6765). An algorithm developed to predict the effect of missense changes on protein structure and function (PolyPhen-2) suggests that this variant is likely to be disruptive. Experimental studies have shown that this missense change affects BUB1B function (PMID: 20516114, 31738183). In summary, the available evidence is currently insufficient to determine the role of this variant in disease. Therefore, it has been classified as a Variant of Uncertain Significance.

Women's Health and Genetics/Laboratory Corporation of America, LabCorp
Classification: Uncertain significance. Last evaluated: 2025-01-29. Review status: criteria provided, single submitter. Criteria: LabCorp Variant Classification Summary - May 2015. Collection method: clinical testing. Allele origin: germline.
Comment: Variant summary: BUB1B c.3035T>C (p.Leu1012Pro) results in a non-conservative amino acid change in the encoded protein sequence. Four of five in-silico tools predict a damaging effect of the variant on protein function. The variant allele was found at a frequency of 2.8e-05 in 251458 control chromosomes. The available data on variant occurrences in the general population are insufficient to allow any conclusion about variant significance. c.3035T>C has been reported in the literature in at least one compound heterozygous individual affected with Mosaic Variegated Aneuploidy Syndrome 1 (Hanks_2004). These data do not allow any conclusion about variant significance. At least one publication reports experimental evidence evaluating an impact on protein function, however, does not allow convincing conclusions about the variant effect (Suijkerbuijk_2010). An animal mouse model demonstrated that mice modeling MVA patient BUBR1X753/L1012P die during early embryogenesis (Sieben_2020). The authors conclude that a mouse model for MVA patient BUBR1X753/L1012P is unattainable, most likely due to severe mitotic defects that interfere with early embryogenesis. The following publications have been ascertained in the context of this evaluation (PMID: 15475955, 31738183, 20516114). ClinVar contains an entry for this variant (Variation ID: 6765). Based on the evidence outlined above, the variant was classified as uncertain significance.

Fulgent Genetics
Classification: Uncertain significance for Colorectal cancer; Premature chromatid separation trait; Mosaic variegated aneuploidy syndrome 1. Last evaluated: 2022-03-21. Review status: criteria provided, single submitter. Criteria: ACMG Guidelines, 2015. Collection method: clinical testing. Allele origin: unknown.

OMIM
Classification: Pathogenic for MOSAIC VARIEGATED ANEUPLOIDY SYNDROME 1. Last evaluated: 2004-11-01. Review status: no assertion criteria provided. Collection method: literature only. Allele origin: germline. Not counted in ClinVar's aggregate classification.

OMIM
Classification: Affects for PREMATURE CHROMATID SEPARATION TRAIT. Last evaluated: 2004-11-01. Review status: no assertion criteria provided. Collection method: literature only. Allele origin: germline. Not counted in ClinVar's aggregate classification.

Literature cited by the submitters: PubMed 15475955 (cited by 3 submitters); PubMed 18548531 (cited by Labcorp Genetics (formerly Invitae), Labcorp); PubMed 20516114 (cited by Labcorp Genetics (formerly Invitae), Labcorp and Women's Health and Genetics/Laboratory Corporation of America, LabCorp); PubMed 31738183 (cited by Labcorp Genetics (formerly Invitae), Labcorp and Women's Health and Genetics/Laboratory Corporation of America, LabCorp).